The following is an entry in ClinVar:

NM_018489.3(ASH1L):c.2227A>G (p.Lys743Glu)

Gene: ASH1L (ASH1 like histone lysine methyltransferase; minus strand). Cytogenetic location: 1q22.
Variant type: single nucleotide variant.
Coding change: c.2227A>G on transcript NM_018489.3 (MANE Select); coding-DNA position 2227, A replaced by G.
Protein change: p.Lys743Glu; replaces lysine 743 with glutamic acid.
Molecular consequence: missense variant.
Genome position (GRCh38, 1-based): chr1:155,480,643, T>C on the plus strand (A>G on the coding strand, the complement: ASH1L is on the minus strand). VCF-style: chr1-155480643-T-C. GRCh37 (hg19) VCF-style: chr1-155450434-T-C.
Other names: c.2227A>G, p.Lys743Glu (NM_001366177.2); short protein forms K743E.
Identifiers: ClinVar variation 4681804 (VCV004681804.5).
Genomic context (GRCh38, chr1:155,480,643, plus strand): 5'-TTTTCATAAACTTGGCTGGCTCAGAATTACTATTTGATAGTGAGCTACATGAAACGTTTT[T>C]AAAAAGCTCTGATCTTTCTAATTCTAGCCCTTTTGGAGACCGGCATGTGCTTCTTGCCAC-3'
Protein context (NP_060959.2, residues 733-753): GLELERSELF[Lys743Glu]NVSCSSLSNS

ClinVar aggregate classification (germline): Uncertain significance (1 of 4 stars; one submission).

gnomAD v4.1: 1 of 1,614,114 alleles (0.000062%); highest among the groups gnomAD compares: Non-Finnish European, 0.000085%; no homozygotes.

Submission:

CeGaT Center for Human Genetics Tuebingen
Classification: Uncertain significance. Last evaluated: 2025-11-01. Review status: criteria provided, single submitter. Criteria: CeGaT Center For Human Genetics Tuebingen Variant Classification Criteria Version 2. Collection method: clinical testing. Allele origin: germline. Affected: yes. Observed: 1 variant allele.
Comment: ASH1L: PM2